The following is an entry in ClinVar:

NM_000090.4(COL3A1):c.2071G>A (p.Ala691Thr)

Gene: COL3A1 (collagen type III alpha 1 chain; plus strand). Cytogenetic location: 2q32.2.
Variant type: single nucleotide variant.
Coding change: c.2071G>A on transcript NM_000090.4 (MANE Select); coding-DNA position 2071, G replaced by A.
Protein change: p.Ala691Thr; replaces alanine 691 with threonine.
Molecular consequence: missense variant.
Genome position (GRCh38, 1-based): chr2:188,999,333, G>A. VCF-style: chr2-188999333-G-A. GRCh37 (hg19) VCF-style: chr2-189864059-G-A.
Other names: short protein forms A691T.
Identifiers: ClinVar variation 3071535 (VCV003071535.2), dbSNP rs1688399856, ClinGen allele CA349840092.

ClinVar aggregate classification (germline): Uncertain significance. Review status: criteria provided, multiple submitters, no conflicts (2 of 4 stars). 2 submissions from 2 submitters: Uncertain significance (2). Last evaluated 2026-01-17.

Conditions:
Ehlers-Danlos syndrome, type 4 (EDSVASC). Also called: Ehlers-Danlos Syndrome Type IV; Ehlers-Danlos syndrome vascular type; Ehlers Danlos syndrome, ecchymotic type; Ehlers Danlos syndrome, arterial type; Ehlers Danlos syndrome, Sack-Barabas type. Identifiers: Orphanet 286, MedGen C0268338, MONDO:0017314, OMIM 130050.

Submissions (2):

Labcorp Genetics (formerly Invitae), Labcorp
Classification: Uncertain significance for Ehlers-Danlos syndrome, type 4. Last evaluated: 2026-01-17. Review status: criteria provided, single submitter. Criteria: Invitae Variant Classification Sherloc (09022015). Collection method: clinical testing. Allele origin: germline.
Comment: This sequence change replaces alanine, which is neutral and non-polar, with threonine, which is neutral and polar, at codon 691 of the COL3A1 protein (p.Ala691Thr). This variant is not present in population databases (gnomAD no frequency). This variant has not been reported in the literature in individuals affected with COL3A1-related conditions. ClinVar contains an entry for this variant (Variation ID: 3071535). Invitae Evidence Modeling of protein sequence and biophysical properties (such as structural, functional, and spatial information, amino acid conservation, physicochemical variation, residue mobility, and thermodynamic stability) indicates that this missense variant is not expected to disrupt COL3A1 protein function with a negative predictive value of 95%. In summary, the available evidence is currently insufficient to determine the role of this variant in disease. Therefore, it has been classified as a Variant of Uncertain Significance.

All of Us Research Program, National Institutes of Health
Classification: Uncertain significance for Ehlers-Danlos syndrome, type 4. Last evaluated: 2023-06-08. Review status: criteria provided, single submitter. Criteria: ACMG Guidelines, 2015. Collection method: clinical testing. Allele origin: germline. Inheritance: Autosomal dominant inheritance. Observed: 1 variant allele, 1 heterozygote.
Comment: This missense variant replaces alanine with threonine at codon 691 of the COL3A1 protein. Computational prediction suggests that this variant may not impact protein structure and function (internally defined REVEL score threshold <= 0.5, PMID: 27666373). To our knowledge, functional studies have not been reported for this variant. This variant has not been reported in individuals affected with COL3A1-related disorders in the literature. This variant has not been identified in the general population by the Genome Aggregation Database (gnomAD). The available evidence is insufficient to determine the role of this variant in disease conclusively. Therefore, this variant is classified as a Variant of Uncertain Significance.

This study involves interpretation of variants in research participants for the purpose of population health screening. Participant phenotype was not available at the time of variant classification. Additional details can be found in publication PMID: 35346344, PMCID: PMC8962531